The following is an entry in ClinVar:

ClinVar aggregate classification (germline): Uncertain significance (1 of 4 stars; one submission).

Allele frequency attached by ClinVar (database versions not stated): ExAC 0.00001; gnomAD 0.00001; TOPMed 0.00002; gnomAD exomes 0.00005.

Submission:

Labcorp Genetics (formerly Invitae), Labcorp
Classification: Uncertain significance. Last evaluated: 2025-09-07. Review status: criteria provided, single submitter. Criteria: Invitae Variant Classification Sherloc (09022015). Collection method: clinical testing. Allele origin: germline.
Comment: This sequence change replaces threonine, which is neutral and polar, with alanine, which is neutral and non-polar, at codon 228 of the ITM2B protein (p.Thr228Ala). This variant is present in population databases (rs760214237, gnomAD 0.007%). This variant has not been reported in the literature in individuals affected with ITM2B-related conditions. ClinVar contains an entry for this variant (Variation ID: 2177627). Invitae Evidence Modeling of protein sequence and biophysical properties (such as structural, functional, and spatial information, amino acid conservation, physicochemical variation, residue mobility, and thermodynamic stability) has been performed for this missense variant. However, the output from this modeling did not meet the statistical confidence thresholds required to predict the impact of this variant on ITM2B protein function. In summary, the available evidence is currently insufficient to determine the role of this variant in disease. Therefore, it has been classified as a Variant of Uncertain Significance.

NM_021999.5(ITM2B):c.682A>G (p.Thr228Ala)

Gene: ITM2B (integral membrane protein 2B; plus strand). Cytogenetic location: 13q14.2.
Variant type: single nucleotide variant.
Coding change: c.682A>G on transcript NM_021999.5 (MANE Select); coding-DNA position 682, A replaced by G.
Protein change: p.Thr228Ala; replaces threonine 228 with alanine.
Molecular consequence: missense variant.
Genome position (GRCh38, 1-based): chr13:48,258,914, A>G. VCF-style: chr13-48258914-A-G. GRCh37 (hg19) VCF-style: chr13-48833050-A-G.
Other names: short protein forms T228A.
Identifiers: ClinVar variation 2177627 (VCV002177627.4), dbSNP rs760214237, ClinGen allele CA6978832.
Genomic context (GRCh38, chr13:48,258,914, plus strand): 5'-CGCATTGAAAACATTGATCACCTGGGTTTCTTTATTTATCGACTGTGTCATGACAAGGAA[A>G]CTTACAAACTGCAACGCAGAGAAACTATTAAAGGTAATACTTTTTAAATATTAAAGTGTT-3'
Protein context (NP_068839.1, residues 218-238): FIYRLCHDKE[Thr228Ala]YKLQRRETIK